The following is an entry in ClinVar:

NM_153717.3(EVC):c.2472dup (p.Leu825fs)

Gene: EVC (EvC ciliary complex subunit 1; plus strand). Cytogenetic location: 4p16.2.
Variant type: Duplication.
Coding change: c.2472dup on transcript NM_153717.3 (MANE Select); coding-DNA position 2472, one base duplicated (A; older notation c.2472dupA).
Protein change: p.Leu825fs; shifts the reading frame from leucine 825.
Molecular consequence: frameshift variant.
Genome position (GRCh38, 1-based): chr4:5,804,752, A duplicated; the last of 3 consecutive A bases (chr4:5,804,750-5,804,752); duplicating any one gives the same sequence. VCF-style (leftmost placement, unchanged base first): chr4-5804749-C-CA. GRCh37 (hg19) VCF-style: chr4-5806476-C-CA.
Other names: c.2472dup, p.Leu825fs (NM_001306090.2); short protein forms L825fs.
Identifiers: ClinVar variation 2119214 (VCV002119214.4), dbSNP rs2474564704, ClinGen allele CA2580070830.

ClinVar aggregate classification (germline): Pathogenic (1 of 4 stars; one submission).

Conditions:
Ellis-van Creveld syndrome (EVC). Also called: EVC-Related Ellis-van Creveld Syndrome; EVC2-Related Ellis-van Creveld Syndrome; MESOECTODERMAL DYSPLASIA; Chondroectodermal dysplasia. Identifiers: Orphanet 289, MedGen C0013903, MONDO:0009162, OMIM 225500.
Curry-Hall syndrome (WAD). Also called: WEYERS ACRODENTAL DYSOSTOSIS. Identifiers: Orphanet 952, MedGen C0457013, MONDO:0008673, OMIM 193530.

Submission:

Labcorp Genetics (formerly Invitae), Labcorp
Classification: Pathogenic for Curry-Hall syndrome; Ellis-van Creveld syndrome. Last evaluated: 2022-03-29. Review status: criteria provided, single submitter. Criteria: Invitae Variant Classification Sherloc (09022015). Collection method: clinical testing. Allele origin: germline.
Comment: For these reasons, this variant has been classified as Pathogenic. This variant has not been reported in the literature in individuals affected with EVC-related conditions. This variant is not present in population databases (gnomAD no frequency). This sequence change creates a premature translational stop signal (p.Leu825Thrfs*22) in the EVC gene. It is expected to result in an absent or disrupted protein product. Loss-of-function variants in EVC are known to be pathogenic (PMID: 23220543).

Literature cited by the submitters: PubMed 23220543.